The following is an entry in ClinVar:

ClinVar aggregate classification (germline): Conflicting classifications of pathogenicity. Review status: criteria provided, conflicting classifications (1 of 4 stars). 9 submissions from 9 submitters: Uncertain significance (6); Likely benign (2). 1 of the submissions does not count toward it. Last evaluated 2026-07-21.

Conditions:
SPINK1-related disorder. Also called: SPINK1-related condition.
Tropical pancreatitis. Identifiers: Orphanet 103918, MedGen C1842402, MONDO:0011986, OMIM 608189.
Hereditary pancreatitis (PCTT). Also called: PRSS1-Related Hereditary Pancreatitis; Hereditary chronic pancreatitis. Identifiers: Orphanet 676, MedGen C0238339, MONDO:0008185, OMIM 167800.

Allele frequency attached by ClinVar (database versions not stated): gnomAD exomes 0.00058; TOPMed 0.00073; gnomAD 0.00074 and 0.00075.

Submissions (9):

Ambry Genetics
Classification: Uncertain significance for Hereditary pancreatitis. Last evaluated: 2026-07-21. Review status: criteria provided, single submitter. Criteria: Ambry Variant Classification Scheme 2023. Collection method: clinical testing. Allele origin: germline.
Comment: The c.-147A>G alteration is located in the 5' untranslated region (5'UTR) of the SPINK1 gene. This alteration consists of an A to G substitution 147 nucleotides upstream from the first translated codon. Based on data from gnomAD, the G allele has an overall frequency of 0.022% (7/31408) total alleles studied. The highest observed frequency was 1.379% (4/290) of Ashkenazi Jewish alleles. Based on insufficient or conflicting evidence, the clinical significance of this alteration remains unclear.

CeGaT Center for Human Genetics Tuebingen
Classification: Likely benign. Last evaluated: 2026-07-01. Review status: criteria provided, single submitter. Criteria: CeGaT Center For Human Genetics Tuebingen Variant Classification Criteria Version 2. Collection method: clinical testing. Allele origin: germline. Affected: yes. Observed: 1 variant allele.
Comment: SPINK1: BS1

ARUP Laboratories, Molecular Genetics and Genomics, ARUP Laboratories
Classification: Uncertain significance. Last evaluated: 2025-05-21. Review status: criteria provided, single submitter. Criteria: ARUP Molecular Germline Variant Investigation Process 2024. Collection method: clinical testing. Allele origin: germline.
Comment: The SPINK1 c.-147A>G variant (rs779832256) is reported in the literature in individuals affected with pancreatitis or pancreatic cancer, but is also found in healthy controls (Boulling 2011, Derikx 2015, Keiles 2006, Slavin 2018). This variant is also reported in ClinVar (Variation ID: 239503), and is found in the general population with an overall allele frequency of 0.022% (7/31408 alleles) in the Genome Aggregation Database (v2.1.1). This variant occurs in the 5' untranslated region at a nucleotide that is weakly conserved, and in vitro reporter assays demonstrate reduced expression (Boulling 2011, Derikx 2015). However, whether reduced expression occurs in vivo or is sufficient for disease remains to be determined. Given available information, the clinical significance of this variant is uncertain at this time. References: Boulling A et al. Assessing the pathological relevance of SPINK1 promoter variants. Eur J Hum Genet. 2011 Oct;19(10):1066-73. PMID: 21610753. Derikx MH et al. Functional significance of SPINK1 promoter variants in chronic pancreatitis. Am J Physiol Gastrointest Liver Physiol. 2015 May 1;308(9):G779-84. PMID: 25792561. Keiles S et al. Identification of CFTR, PRSS1, and SPINK1 mutations in 381 patients with pancreatitis. Pancreas. 2006 Oct;33(3):221-7. PMID: 17003641. Slavin TP et al. The spectrum of genetic variants in hereditary pancreatic cancer includes Fanconi anemia genes. Fam Cancer. 2018 Apr;17(2):235-245. PMID: 28687971.

Labcorp Genetics (formerly Invitae), Labcorp
Classification: Uncertain significance for Hereditary pancreatitis. Last evaluated: 2024-05-08. Review status: criteria provided, single submitter. Criteria: Invitae Variant Classification Sherloc (09022015). Collection method: clinical testing. Allele origin: germline.
Comment: This variant occurs in a non-coding region of the SPINK1 gene. It does not change the encoded amino acid sequence of the SPINK1 protein. This variant is present in population databases (rs779832256, gnomAD 1.7%), and has an allele count higher than expected for a pathogenic variant. This variant has been observed in individual(s) with chronic pancreatitis or pancreatic cancer (PMID: 17003641, 21610753, 28687971). ClinVar contains an entry for this variant (Variation ID: 239503). Algorithms developed to predict the effect of variants on gene product structure and function are not available or were not evaluated for this variant. Experimental studies have shown that this variant affects SPINK1 function (PMID: 21610753, 25792561, 28556356). In summary, the available evidence is currently insufficient to determine the role of this variant in disease. Therefore, it has been classified as a Variant of Uncertain Significance.

Fulgent Genetics
Classification: Likely benign for Hereditary pancreatitis; Tropical pancreatitis. Last evaluated: 2024-02-18. Review status: criteria provided, single submitter. Criteria: ACMG Guidelines, 2015. Collection method: clinical testing. Allele origin: germline.

Baylor Genetics
Classification: Uncertain significance for Tropical pancreatitis. Last evaluated: 2023-09-28. Review status: criteria provided, single submitter. Criteria: ACMG Guidelines, 2015. Collection method: clinical testing. Allele origin: unknown.

Revvity Omics, Revvity
Classification: Uncertain significance. Last evaluated: 2022-07-08. Review status: criteria provided, single submitter. Criteria: ACMG Guidelines, 2015. Collection method: clinical testing. Allele origin: germline.

Breakthrough Genomics
Classification: Uncertain significance. Review status: criteria provided, single submitter. Criteria: ACMG Guidelines, 2015. Collection method: not provided. Allele origin: germline. Inheritance: Autosomal recessive inheritance. Affected: yes.

PreventionGenetics, part of Exact Sciences
Classification: Likely benign for SPINK1-related condition. Last evaluated: 2022-02-17. Review status: no assertion criteria provided. Collection method: clinical testing. Allele origin: germline. Not counted in ClinVar's aggregate classification.
Comment: This variant is classified as likely benign based on ACMG/AMP sequence variant interpretation guidelines (Richards et al. 2015 PMID: 25741868, with internal and published modifications).

Literature cited by the submitters: PubMed 17003641 (cited by Labcorp Genetics (formerly Invitae), Labcorp); PubMed 21610753 (cited by Labcorp Genetics (formerly Invitae), Labcorp); PubMed 28687971 (cited by Labcorp Genetics (formerly Invitae), Labcorp); PubMed 25792561 (cited by Labcorp Genetics (formerly Invitae), Labcorp); PubMed 28556356 (cited by Labcorp Genetics (formerly Invitae), Labcorp).

NM_003122.5(SPINK1):c.-147A>G

Gene: SPINK1 (serine peptidase inhibitor Kazal type 1; minus strand). Cytogenetic location: 5q32.
Variant type: single nucleotide variant.
Coding change: c.-147A>G on transcript NM_003122.5; 147 bases upstream of the start codon, A replaced by G.
Molecular consequence: 5 prime UTR variant. On other transcripts: genic upstream transcript variant (1).
Genome position (GRCh38, 1-based): chr5:147,831,724, T>C on the plus strand (A>G on the coding strand, the complement: SPINK1 is on the minus strand). VCF-style: chr5-147831724-T-C. GRCh37 (hg19) VCF-style: chr5-147211287-T-C.
Other names: c.-147A>G (NM_001354966.2, NM_001379610.1).
Identifiers: ClinVar variation 239503 (VCV000239503.32), dbSNP rs779832256, ClinGen allele CA10582408.